The following is an entry in ClinVar:

ClinVar aggregate classification (germline): Uncertain significance (1 of 4 stars; one submission).

Allele frequency attached by ClinVar (database versions not stated): ExAC 0.00006; gnomAD 0.00020; 1000 Genomes Project 30x 0.00031; 1000 Genomes Project 0.00040.
gnomAD v4.1: 70 of 1,550,516 alleles (0.0045%); highest among the groups gnomAD compares: African/African-American, 0.074%; no homozygotes.

Submission:

Labcorp Genetics (formerly Invitae), Labcorp
Classification: Uncertain significance. Last evaluated: 2023-08-30. Review status: criteria provided, single submitter. Criteria: Invitae Variant Classification Sherloc (09022015). Collection method: clinical testing. Allele origin: germline.
Comment: This variant is present in population databases (rs145989244, gnomAD 0.07%), and has an allele count higher than expected for a pathogenic variant. This sequence change replaces aspartic acid, which is acidic and polar, with glutamic acid, which is acidic and polar, at codon 235 of the CCDC141 protein (p.Asp235Glu). This variant has not been reported in the literature in individuals affected with CCDC141-related conditions. ClinVar contains an entry for this variant (Variation ID: 2188207). An algorithm developed to predict the effect of missense changes on protein structure and function (PolyPhen-2) suggests that this variant is likely to be disruptive. In summary, the available evidence is currently insufficient to determine the role of this variant in disease. Therefore, it has been classified as a Variant of Uncertain Significance.

NM_173648.4(CCDC141):c.705C>G (p.Asp235Glu)

Gene: CCDC141 (coiled-coil domain containing 141; minus strand). Cytogenetic location: 2q31.2.
Variant type: single nucleotide variant.
Coding change: c.705C>G on transcript NM_173648.4 (MANE Select); coding-DNA position 705, C replaced by G.
Protein change: p.Asp235Glu; replaces aspartic acid 235 with glutamic acid.
Molecular consequence: missense variant.
Genome position (GRCh38, 1-based): chr2:178,961,305, G>C on the plus strand (C>G on the coding strand, the complement: CCDC141 is on the minus strand). VCF-style: chr2-178961305-G-C. GRCh37 (hg19) VCF-style: chr2-179826032-G-C.
Other names: c.705C>G, p.Asp235Glu (NM_001316745.2); short protein forms D235E.
Identifiers: ClinVar variation 2188207 (VCV002188207.4), dbSNP rs145989244, ClinGen allele CA2007307.
Genomic context (GRCh38, chr2:178,961,305, plus strand): 5'-GTCCCACTGACATATCTGCAGAACTTGACTCAATTCTTGCCACTGTTGCTTCAAGTACTT[G>C]TCTAGTTGTCTTCTCCTGTCTTGTAGAAGTTCAAGAAGGCGGTCAACCTTCAGACAGCTG-3'
Protein context (NP_775919.3, residues 225-245): ELLQDRRRQL[Asp235Glu]KYLKQQWQEL